The following is an entry in ClinVar:

NM_001457.4(FLNB):c.4690A>G (p.Lys1564Glu)

Gene: FLNB (filamin B; plus strand). Cytogenetic location: 3p14.3.
Variant type: single nucleotide variant.
Coding change: c.4690A>G on transcript NM_001457.4 (MANE Select); coding-DNA position 4690, A replaced by G.
Protein change: p.Lys1564Glu; replaces lysine 1564 with glutamic acid.
Molecular consequence: missense variant.
Genome position (GRCh38, 1-based): chr3:58,135,997, A>G. VCF-style: chr3-58135997-A-G. GRCh37 (hg19) VCF-style: chr3-58121724-A-G.
Other names: c.4783A>G, p.Lys1595Glu (NM_001164317.2); c.4690A>G, p.Lys1564Glu (NM_001164318.2, NM_001164319.2); short protein forms K1564E, K1595E.
Identifiers: ClinVar variation 3683244 (VCV003683244.2).

ClinVar aggregate classification (germline): Uncertain significance (1 of 4 stars; one submission).

Submission:

Labcorp Genetics (formerly Invitae), Labcorp
Classification: Uncertain significance. Last evaluated: 2025-04-09. Review status: criteria provided, single submitter. Criteria: Invitae Variant Classification Sherloc (09022015). Collection method: clinical testing. Allele origin: germline.
Comment: This sequence change replaces lysine, which is basic and polar, with glutamic acid, which is acidic and polar, at codon 1564 of the FLNB protein (p.Lys1564Glu). This variant is not present in population databases (gnomAD no frequency). This variant has not been reported in the literature in individuals affected with FLNB-related conditions. ClinVar contains an entry for this variant (Variation ID: 3683244). Invitae Evidence Modeling of protein sequence and biophysical properties (such as structural, functional, and spatial information, amino acid conservation, physicochemical variation, residue mobility, and thermodynamic stability) indicates that this missense variant is not expected to disrupt FLNB protein function with a negative predictive value of 80%. In summary, the available evidence is currently insufficient to determine the role of this variant in disease. Therefore, it has been classified as a Variant of Uncertain Significance.